The following is an entry in ClinVar:

ClinVar aggregate classification (germline): Likely pathogenic (1 of 4 stars; one submission).

Allele frequency attached by ClinVar (database versions not stated): TOPMed below 0.00001; gnomAD exomes 0.00001.
gnomAD v4.1: 10 of 1,588,126 alleles (0.00063%); highest among the groups gnomAD compares: Non-Finnish European, 0.00085%; no homozygotes.

Submission:

Labcorp Genetics (formerly Invitae), Labcorp
Classification: Likely pathogenic. Last evaluated: 2022-06-14. Review status: criteria provided, single submitter. Criteria: Invitae Variant Classification Sherloc (09022015). Collection method: clinical testing. Allele origin: germline.
Comment: Algorithms developed to predict the effect of sequence changes on RNA splicing suggest that this variant may disrupt the consensus splice site. In summary, the currently available evidence indicates that the variant is pathogenic, but additional data are needed to prove that conclusively. Therefore, this variant has been classified as Likely Pathogenic. This variant has not been reported in the literature in individuals affected with RINT1-related conditions. This variant is present in population databases (no rsID available, gnomAD 0.0009%). This sequence change affects a donor splice site in intron 10 of the RINT1 gene. It is expected to disrupt RNA splicing. Variants that disrupt the donor or acceptor splice site typically lead to a loss of protein function (PMID: 16199547), and loss-of-function variants in RINT1 are known to be pathogenic (PMID: 31204009).

Literature cited by the submitters: PubMed 16199547; PubMed 31204009.

NM_021930.6(RINT1):c.1471+2T>A

Gene: RINT1 (RAD50 interactor 1; plus strand). Cytogenetic location: 7q22.3.
Variant type: single nucleotide variant.
Coding change: c.1471+2T>A on transcript NM_021930.6 (MANE Select); the canonical splice donor site of the intron after coding-DNA position 1471, T replaced by A.
Molecular consequence: splice donor variant.
Genome position (GRCh38, 1-based): chr7:105,551,709, T>A. VCF-style: chr7-105551709-T-A. GRCh37 (hg19) VCF-style: chr7-105192156-T-A.
Other names: c.448+2T>A (NM_001346600.2, NM_001346603.2); c.547+2T>A (NM_001346601.2); c.1237+2T>A (NM_001346599.2).
Identifiers: ClinVar variation 2428204 (VCV002428204.7), dbSNP rs1373493567, ClinGen allele CA368810620.